The following is an entry in ClinVar:

NM_003924.4(PHOX2B):c.620G>A (p.Ser207Asn)

Gene: PHOX2B (paired like homeobox 2B; minus strand). Cytogenetic location: 4p13.
Variant type: single nucleotide variant.
Coding change: c.620G>A on transcript NM_003924.4 (MANE Select); coding-DNA position 620, G replaced by A.
Protein change: p.Ser207Asn; replaces serine 207 with asparagine.
Molecular consequence: missense variant.
Genome position (GRCh38, 1-based): chr4:41,746,132, C>T on the plus strand (G>A on the coding strand, the complement: PHOX2B is on the minus strand). VCF-style: chr4-41746132-C-T. GRCh37 (hg19) VCF-style: chr4-41748149-C-T.
Other names: short protein forms S207N.
Identifiers: ClinVar variation 5026631 (VCV005026631.1).

ClinVar aggregate classification (germline): Uncertain significance (1 of 4 stars; one submission).

Conditions:
Hereditary cancer-predisposing syndrome. Also called: Neoplastic Syndromes, Hereditary; Tumor predisposition; Hereditary neoplastic syndrome; Hereditary Cancer Syndrome. Identifiers: Orphanet 140162, MedGen C0027672, MeSH D009386, MONDO:0015356.

Submission:

Ambry Genetics
Classification: Uncertain significance for Hereditary cancer-predisposing syndrome. Last evaluated: 2026-07-24. Review status: criteria provided, single submitter. Criteria: Ambry Variant Classification Scheme 2023. Collection method: clinical testing. Allele origin: germline.
Comment: The p.S207N variant (also known as c.620G>A), located in coding exon 3 of the PHOX2B gene, results from a G to A substitution at nucleotide position 620. The serine at codon 207 is replaced by asparagine, an amino acid with highly similar properties. This amino acid position is conserved. In addition, this alteration is predicted to be tolerated by in silico analysis. Based on the available evidence, the clinical significance of this variant remains unclear.